The following is an entry in ClinVar:

NM_007294.4(BRCA1):c.5484_5496del (p.Cys1828fs)

Gene: BRCA1 (BRCA1 DNA repair associated; minus strand). Cytogenetic location: 17q21.31.
Variant type: Deletion.
Coding change: c.5484_5496del on transcript NM_007294.4 (MANE Select); coding-DNA positions 5484 to 5496, 13 bases deleted (TGAGGCACCTGTG).
Protein change: p.Cys1828fs; shifts the reading frame from cysteine 1828.
Molecular consequence: frameshift variant. On other transcripts: stop lost (17).
Genome position (GRCh38, 1-based): chr17:43,045,774-43,045,786, CACAGGTGCCTCA deleted on the plus strand (TGAGGCACCTGTG on the coding strand, the reverse complement: BRCA1 is on the minus strand); deleting any 13 consecutive bases within chr17:43,045,774-43,045,790 gives the same sequence; the c. name uses the placement nearest the transcript's 3' end. VCF-style (leftmost placement, unchanged base first): chr17-43045773-CCACAGGTGCCTCA-C. GRCh37 (hg19) VCF-style: chr17-41197790-CCACAGGTGCCTCA-C.
Other names: c.1959_1971del, p.Cys653fs (NM_001408493.1, NM_001408492.1); c.1935_1947del, p.Cys645fs (NM_001408494.1); c.1929_1941del, p.Cys643fs (NM_001408495.1); c.1911_1923del, p.Cys637fs (NM_001408496.1, NM_001408497.1, NM_001408498.1 and 3 more transcripts); c.2098_*10del, p.Ter700ValextTer? (NM_001408472.1, NM_007299.4); c.2095_*10del, p.Ter699ValextTer? (NM_001408473.1); c.1974_1986del, p.Cys658fs (NM_001408474.1); c.1971_1983del, p.Cys657fs (NM_001408475.1, NM_001408476.1); and 84 more; short protein forms C1531fs, C1532fs, C1659fs, C1674fs, C1699fs, C1700fs, C1701fs, C1715fs.
Identifiers: ClinVar variation 2674447 (VCV002674447.1), dbSNP rs2546061147, ClinGen allele CA2695201336.

ClinVar aggregate classification (germline): Pathogenic (1 of 4 stars; one submission).

Conditions:
Breast-ovarian cancer, familial, susceptibility to, 1 (BROVCA1). Also called: BRCA1 Hereditary Breast and Ovarian Cancer; OVARIAN CANCER, SUSCEPTIBILITY TO. Identifiers: Orphanet 145, MedGen C2676676, MONDO:0011450, OMIM 604370. Disease mechanism: loss of function.

Submission:

Myriad Genetics, Inc.
Classification: Pathogenic for Breast-ovarian cancer, familial, susceptibility to, 1. Last evaluated: 2023-07-31. Review status: criteria provided, single submitter. Criteria: Myriad Autosomal Dominant, Autosomal Recessive and X-Linked Classification Criteria (2023). Collection method: clinical testing. Allele origin: unknown.
Comment: This variant is considered pathogenic. This variant creates a frameshift predicted to result in premature protein truncation.